The following is an entry in ClinVar:

ClinVar aggregate classification (germline): Likely benign (1 of 4 stars; one submission).

Conditions:
White-Kernohan syndrome. Also called: GLOBAL DEVELOPMENTAL DELAY, HYPOTONIA, AND CHARACTERISTIC FACIAL FEATURES. Identifiers: MedGen C5543635, MONDO:0859169, OMIM 619426.

Submission:

Laboratory of Medical Genetics, National & Kapodistrian University of Athens
Classification: Likely benign for White-Kernohan syndrome. Last evaluated: 2022-04-04. Review status: criteria provided, single submitter. Criteria: ACMG Guidelines, 2015. Collection method: clinical testing. Allele origin: paternal. Affected: yes.
Comment: PM2, PP3, BS2

NM_001923.5(DDB1):c.1163G>A (p.Arg388Gln)

Gene: DDB1 (damage specific DNA binding protein 1; minus strand). Cytogenetic location: 11q12.2.
Variant type: single nucleotide variant.
Coding change: c.1163G>A on transcript NM_001923.5 (MANE Select); coding-DNA position 1163, G replaced by A.
Protein change: p.Arg388Gln; replaces arginine 388 with glutamine.
Molecular consequence: missense variant.
Genome position (GRCh38, 1-based): chr11:61,321,657, C>T on the plus strand (G>A on the coding strand, the complement: DDB1 is on the minus strand). VCF-style: chr11-61321657-C-T. GRCh37 (hg19) VCF-style: chr11-61089129-C-T.
Other names: short protein forms R388Q.
Identifiers: ClinVar variation 1708084 (VCV001708084.1), dbSNP rs1300833607, ClinGen allele CA380664100.